The following is an entry in ClinVar:

NM_139057.4(ADAMTS17):c.*1706G>A

Gene: ADAMTS17 (ADAM metallopeptidase with thrombospondin type 1 motif 17; minus strand). Cytogenetic location: 15q26.3.
Variant type: single nucleotide variant.
Coding change: c.*1706G>A on transcript NM_139057.4 (MANE Select); 1706 bases downstream of the stop codon, G replaced by A.
Molecular consequence: 3 prime UTR variant.
Genome position (GRCh38, 1-based): chr15:99,972,696, C>T on the plus strand (G>A on the coding strand, the complement: ADAMTS17 is on the minus strand). VCF-style: chr15-99972696-C-T. GRCh37 (hg19) VCF-style: chr15-100512901-C-T.
Identifiers: ClinVar variation 315179 (VCV000315179.6), dbSNP rs117744474, ClinGen allele CA10647649.
Genomic context (GRCh38, chr15:99,972,696, plus strand): 5'-CGCGGGGCGAGGGTGGGCCGCTCCATCCTGACACCCTCGGTTCTTTCCACAGAGCACCCA[C>T]GGAAGTTTCTCAACACTTCTCGTTGATTCAAGTGGAAGTGAGTAAATTCCCTGACATCCC-3'

ClinVar aggregate classification (germline): Benign. Review status: criteria provided, multiple submitters, no conflicts (2 of 4 stars). 2 submissions from 2 submitters: Benign (2). Last evaluated 2018-01-12.

Conditions:
Weill-Marchesani 4 syndrome, recessive. Also called: Weill-Marchesani syndrome 4. Identifiers: Orphanet 363992, MedGen C2750787, MONDO:0013176, OMIM 613195.

Allele frequency attached by ClinVar (database versions not stated): TOPMed 0.00658; gnomAD 0.01078 and 0.01134; 1000 Genomes Project 30x 0.01577; 1000 Genomes Project 0.01717.

Submissions (2):

Illumina Laboratory Services, Illumina
Classification: Benign for Weill-Marchesani 4 syndrome, recessive. Last evaluated: 2018-01-12. Review status: criteria provided, single submitter. Criteria: ICSL Variant Classification Criteria 13 December 2019. Collection method: clinical testing. Allele origin: germline.
Comment: This variant was observed in the ICSL laboratory as part of a predisposition screen in an ostensibly healthy population. It had not been previously curated by ICSL or reported in the Human Gene Mutation Database (HGMD: prior to June 1st, 2018), and was therefore a candidate for classification through an automated scoring system. Utilizing variant allele frequency, disease prevalence and penetrance estimates, and inheritance mode, an automated score was calculated to assess if this variant is too frequent to cause the disease. Based on the score and internal cut-off values, a variant classified as benign is not then subjected to further curation. The score for this variant resulted in a classification of benign for this disease.

Breakthrough Genomics
Classification: Benign. Review status: criteria provided, single submitter. Criteria: ACMG Guidelines, 2015. Collection method: not provided. Allele origin: germline. Inheritance: Autosomal recessive inheritance. Affected: yes.